The following is an entry in ClinVar:

NM_000709.4(BCKDHA):c.859C>G (p.Arg287Gly)

Gene: BCKDHA (branched chain keto acid dehydrogenase E1 subunit alpha; plus strand). Cytogenetic location: 19q13.2.
Variant type: single nucleotide variant.
Coding change: c.859C>G on transcript NM_000709.4 (MANE Select); coding-DNA position 859, C replaced by G.
Protein change: p.Arg287Gly; replaces arginine 287 with glycine.
Molecular consequence: missense variant.
Genome position (GRCh38, 1-based): chr19:41,422,634, C>G. VCF-style: chr19-41422634-C-G. GRCh37 (hg19) VCF-style: chr19-41928539-C-G.
Other names: c.859C>G (NM_000709.3); c.856C>G, p.Arg286Gly (NM_001164783.2); short protein forms R286G, R287G.
Identifiers: ClinVar variation 1334170 (VCV001334170.15), dbSNP rs764247545, ClinGen allele CA9461289.

ClinVar aggregate classification (germline): Conflicting classifications of pathogenicity. Review status: criteria provided, conflicting classifications (1 of 4 stars). 5 submissions from 5 submitters: Likely pathogenic (4); Uncertain significance (1). Last evaluated 2024-06-21.

Conditions:
Maple syrup urine disease (MSUD). Identifiers: Orphanet 511, MedGen C0024776, MeSH D008375, MONDO:0009563. Disease mechanism: loss of function.
Maple syrup urine disease type 1A (MSUD1A). Also called: MSUD type 1A. Identifiers: MedGen C1855369, MONDO:0023691, OMIM 248600.

gnomAD v4.1: 16 of 1,613,942 alleles (0.00099%); highest among the groups gnomAD compares: East Asian, 0.0089%; no homozygotes.

Submissions (5):

Fulgent Genetics
Classification: Likely pathogenic for Maple syrup urine disease type 1A. Last evaluated: 2024-06-21. Review status: criteria provided, single submitter. Criteria: ACMG Guidelines, 2015. Collection method: clinical testing. Allele origin: germline.

Natera, Inc.
Classification: Likely pathogenic for Maple syrup urine disease type 1A. Last evaluated: 2024-04-30. Review status: criteria provided, single submitter. Criteria: Natera Variant Classification Schema (03/2026). Collection method: clinical testing. Allele origin: germline.
Comment: The c.859C>G variant in BCKDHA is a missense variant predicted to cause substitution of arginine to glycine at amino acid 287. This variant is rare in the general population with a frequency below the threshold expected for the associated phenotype(s). This variant has been observed in one or more individuals affected with the associated recessive disease, as either homozygous or compound heterozygous with a second variant (PMID: 32193832). This variant has been identified in one or more affected individual with a phenotype highly consistent with the associated gene (PMID: 32193832). Computational prediction algorithms indicate this variant is likely to affect gene or protein function. Given the available evidence, this variant is classified as Likely Pathogenic.

Baylor Genetics
Classification: Likely pathogenic for Maple syrup urine disease type 1A. Last evaluated: 2024-02-17. Review status: criteria provided, single submitter. Criteria: ACMG Guidelines, 2015. Collection method: clinical testing. Allele origin: unknown.

Labcorp Genetics (formerly Invitae), Labcorp
Classification: Likely pathogenic for Maple syrup urine disease. Last evaluated: 2023-11-19. Review status: criteria provided, single submitter. Criteria: Invitae Variant Classification Sherloc (09022015). Collection method: clinical testing. Allele origin: germline.
Comment: This sequence change replaces arginine, which is basic and polar, with glycine, which is neutral and non-polar, at codon 287 of the BCKDHA protein (p.Arg287Gly). This variant is present in population databases (rs764247545, gnomAD 0.005%). This missense change has been observed in individual(s) with maple syrup urine disease (PMID: 32193832). ClinVar contains an entry for this variant (Variation ID: 1334170). Advanced modeling of protein sequence and biophysical properties (such as structural, functional, and spatial information, amino acid conservation, physicochemical variation, residue mobility, and thermodynamic stability) performed at Invitae indicates that this missense variant is expected to disrupt BCKDHA protein function with a positive predictive value of 95%. In summary, the currently available evidence indicates that the variant is pathogenic, but additional data are needed to prove that conclusively. Therefore, this variant has been classified as Likely Pathogenic.

Myriad Genetics, Inc.
Classification: Uncertain significance for Maple syrup urine disease type 1A. Last evaluated: 2021-11-15. Review status: criteria provided, single submitter. Criteria: Myriad Women's Health Autosomal Recessive and X-Linked Classification Criteria (2021). Collection method: clinical testing. Allele origin: unknown.
Comment: NM_000709.3(BCKDHA):c.859C>G(R287G) is a missense variant classified as a variant of uncertain significance in the context of maple syrup urine disease type Ia. R287G has been observed in a case with relevant disease (PMID: 32193832). Functional assessments of this variant are not available in the literature. R287G has been observed in population frequency databases (gnomAD: AFR 0.01%). In summary, there is insufficient evidence to classify NM_000709.3(BCKDHA):c.859C>G(R287G) as pathogenic or benign. Please note: this variant was assessed in the context of healthy population screening.

Literature cited by the submitters: PubMed 32193832 (cited by 3 submitters).